The following is an entry in ClinVar:

ClinVar aggregate classification (germline): Likely benign (1 of 4 stars; one submission).

Allele frequency attached by ClinVar (database versions not stated): gnomAD exomes below 0.00001; TOPMed 0.00001.
gnomAD v4.1: 3 of 1,209,986 alleles (0.00025%); highest among the groups gnomAD compares: Middle Eastern, 0.023%; no homozygotes.

Submission:

CeGaT Center for Human Genetics Tuebingen
Classification: Likely benign. Last evaluated: 2022-09-01. Review status: criteria provided, single submitter. Criteria: CeGaT Center For Human Genetics Tuebingen Variant Classification Criteria Version 2. Collection method: clinical testing. Allele origin: germline. Affected: yes. Observed: 1 variant allele.
Comment: WNK3: BP4

NM_020922.5(WNK3):c.3914C>T (p.Ala1305Val)

Gene: WNK3 (WNK lysine deficient protein kinase 3; minus strand). Cytogenetic location: Xp11.22.
Variant type: single nucleotide variant.
Coding change: c.3914C>T on transcript NM_020922.5 (MANE Select); coding-DNA position 3914, C replaced by T.
Protein change: p.Ala1305Val; replaces alanine 1305 with valine.
Molecular consequence: missense variant.
Genome position (GRCh38, 1-based): chrX:54,238,442, G>A on the plus strand (C>T on the coding strand, the complement: WNK3 is on the minus strand). VCF-style: chrX-54238442-G-A. GRCh37 (hg19) VCF-style: chrX-54264875-G-A.
Other names: c.3773C>T, p.Ala1258Val (NM_001002838.4, NM_001395166.1); short protein forms A1258V, A1305V.
Identifiers: ClinVar variation 2660658 (VCV002660658.24), dbSNP rs1039306862, ClinGen allele CA329008867.
Genomic context (GRCh38, chrX:54,238,442, plus strand): 5'-CATCTATTCAAAGCCCTAGTATCAGCTGTGGACTCCCGTGTCAGAGGAATGGGATCAGGA[G>A]CAATTGCTGATCTCATCTCTTCTGTTTCCACTGCAAGTTTTGCCAAATTGTAAGTAAAAA-3'
Protein context (NP_065973.2, residues 1295-1315): VETEEMRSAI[Ala1305Val]PDPIPLTRES